The following is an entry in ClinVar:

ClinVar aggregate classification (germline): Uncertain significance. Review status: criteria provided, multiple submitters, no conflicts (2 of 4 stars). 2 submissions from 2 submitters: Uncertain significance (2). Last evaluated 2025-09-17.

Allele frequency attached by ClinVar (database versions not stated): gnomAD exomes below 0.00001; TOPMed below 0.00001.
gnomAD v4.1: 4 of 1,613,734 alleles (0.00025%); highest among the groups gnomAD compares: Admixed American, 0.0017%; no homozygotes.

Submissions (2):

Labcorp Genetics (formerly Invitae), Labcorp
Classification: Uncertain significance. Last evaluated: 2025-09-17. Review status: criteria provided, single submitter. Criteria: Invitae Variant Classification Sherloc (09022015). Collection method: clinical testing. Allele origin: germline.
Comment: This sequence change replaces isoleucine, which is neutral and non-polar, with methionine, which is neutral and non-polar, at codon 152 of the ARHGEF10 protein (p.Ile152Met). This variant is not present in population databases (gnomAD no frequency). This variant has not been reported in the literature in individuals affected with ARHGEF10-related conditions. ClinVar contains an entry for this variant (Variation ID: 2264036). An algorithm developed to predict the effect of missense changes on protein structure and function (PolyPhen-2) suggests that this variant is likely to be disruptive. In summary, the available evidence is currently insufficient to determine the role of this variant in disease. Therefore, it has been classified as a Variant of Uncertain Significance.

Ambry Genetics
Classification: Uncertain significance. Last evaluated: 2021-12-03. Review status: criteria provided, single submitter. Criteria: Ambry Variant Classification Scheme 2023. Collection method: clinical testing. Allele origin: germline.

NM_014629.4(ARHGEF10):c.456C>G (p.Ile152Met)

Gene: ARHGEF10 (Rho guanine nucleotide exchange factor 10; plus strand). Cytogenetic location: 8p23.3.
Variant type: single nucleotide variant.
Coding change: c.456C>G on transcript NM_014629.4 (MANE Select); coding-DNA position 456, C replaced by G.
Protein change: p.Ile152Met; replaces isoleucine 152 with methionine.
Molecular consequence: missense variant.
Genome position (GRCh38, 1-based): chr8:1,860,159, C>G. VCF-style: chr8-1860159-C-G. GRCh37 (hg19) VCF-style: chr8-1808325-C-G.
Other names: c.456C>G, p.Ile152Met (NM_001308152.2, NM_001308153.3); short protein forms I152M, I176M.
Identifiers: ClinVar variation 2264036 (VCV002264036.4), dbSNP rs1805981433, ClinGen allele CA369955971.
Genomic context (GRCh38, chr8:1,860,159, plus strand): 5'-CTATGCGGTGCCCTCCAACCTGCCCCTCCTGCTGCCCGCCTACTCCAGCCCGGTCATCAT[C>G]TGCGCCACGTCCCTGGACGAAGAAGGTACTGCTACCCTCCTCTCCACGCCCCCGAAGTGG-3'
Protein context (NP_055444.2, residues 142-162): LLPAYSSPVI[Ile152Met]CATSLDEEET